The following is an entry in ClinVar:

ClinVar aggregate classification (germline): Pathogenic (1 of 4 stars; one submission).

Conditions:
Bardet-Biedl syndrome (BBS). Identifiers: Orphanet 110, MedGen C0752166, MONDO:0015229.

Submission:

Labcorp Genetics (formerly Invitae), Labcorp
Classification: Pathogenic for Bardet-Biedl syndrome. Last evaluated: 2023-08-10. Review status: criteria provided, single submitter. Criteria: Invitae Variant Classification Sherloc (09022015). Collection method: clinical testing. Allele origin: germline.
Comment: This sequence change creates a premature translational stop signal (p.Thr512Aspfs*10) in the BBS10 gene. While this is not anticipated to result in nonsense mediated decay, it is expected to disrupt the last 212 amino acid(s) of the BBS10 protein. This variant is not present in population databases (gnomAD no frequency). This variant has not been reported in the literature in individuals affected with BBS10-related conditions. This variant disrupts a region of the BBS10 protein in which other variant(s) (p.Val707*) have been determined to be pathogenic (PMID: 20472660, 22773737, 25982971, 27486776). This suggests that this is a clinically significant region of the protein, and that variants that disrupt it are likely to be disease-causing. For these reasons, this variant has been classified as Pathogenic.

Literature cited by the submitters: PubMed 20472660; PubMed 22773737; PubMed 25982971; PubMed 27486776.

NM_024685.4(BBS10):c.1532dup (p.Thr512fs)

Gene: BBS10 (Bardet-Biedl syndrome 10; minus strand). Cytogenetic location: 12q21.2.
Variant type: Duplication.
Coding change: c.1532dup on transcript NM_024685.4 (MANE Select); coding-DNA position 1532, one base duplicated (T; older notation c.1532dupT).
Protein change: p.Thr512fs; shifts the reading frame from threonine 512.
Molecular consequence: frameshift variant.
Genome position (GRCh38, 1-based): chr12:76,346,453, A duplicated on the plus strand (T on the coding strand, the reverse complement: BBS10 is on the minus strand). VCF-style (leftmost placement, unchanged base first): chr12-76346452-C-CA. GRCh37 (hg19) VCF-style: chr12-76740232-C-CA.
Other names: short protein forms T512fs.
Identifiers: ClinVar variation 2751799 (VCV002751799.3), dbSNP rs2540955553, ClinGen allele CA2697551497.
Genomic context (GRCh38, chr12:76,346,452, plus strand): 5'-GTTTCTTTCCAAAGACAAACATGTCAGCGTTTCAACTGTTTGGAATGTATCTGTTGGTGT[C>CA]AGTGTGGGGGTTGAATACGGAATATATGTTTCTAATTCTACATCTGGAATTACCAAATTA-3'